The following is an entry in ClinVar:

ClinVar aggregate classification (germline): Uncertain significance (1 of 4 stars; one submission).

Conditions:
Inborn genetic diseases. Identifiers: MedGen C0950123, MeSH D030342.

gnomAD v4.1: 1 of 1,551,586 alleles (0.000064%); highest among the groups gnomAD compares: South Asian, 0.0012%; no homozygotes.

Submission:

Ambry Genetics
Classification: Uncertain significance for Inborn genetic diseases. Last evaluated: 2026-07-28. Review status: criteria provided, single submitter. Criteria: Ambry Variant Classification Scheme 2023. Collection method: clinical testing. Allele origin: germline.
Comment: The p.E648D variant (also known as c.1944G>T), located in coding exon 22 of the FANCA gene, results from a G to T substitution at nucleotide position 1944. The glutamic acid at codon 648 is replaced by aspartic acid, an amino acid with highly similar properties. This amino acid position is conserved. In addition, this alteration is predicted to be tolerated by in silico analysis. Based on the available evidence, the clinical significance of this variant remains unclear.

NM_000135.4(FANCA):c.1944G>T (p.Glu648Asp)

Gene: FANCA (FA complementation group A; minus strand). Cytogenetic location: 16q24.3.
Variant type: single nucleotide variant.
Coding change: c.1944G>T on transcript NM_000135.4 (MANE Select); coding-DNA position 1944, G replaced by T.
Protein change: p.Glu648Asp; replaces glutamic acid 648 with aspartic acid.
Molecular consequence: missense variant.
Genome position (GRCh38, 1-based): chr16:89,773,341, C>A on the plus strand (G>T on the coding strand, the complement: FANCA is on the minus strand). VCF-style: chr16-89773341-C-A. GRCh37 (hg19) VCF-style: chr16-89839749-C-A.
Other names: c.1944G>T, p.Glu648Asp (NM_001286167.3); short protein forms E648D.
Identifiers: ClinVar variation 5036378 (VCV005036378.1).